The following is an entry in ClinVar:

NM_001142800.2(EYS):c.1612G>T (p.Gly538Ter)

Gene: EYS (EGF-like photoreceptor maintenance factor; minus strand). Cytogenetic location: 6q12.
Variant type: single nucleotide variant.
Coding change: c.1612G>T on transcript NM_001142800.2 (MANE Select); coding-DNA position 1612, G replaced by T.
Protein change: p.Gly538Ter; replaces glycine 538 with a stop codon.
Molecular consequence: nonsense.
Genome position (GRCh38, 1-based): chr6:65,335,134, C>A on the plus strand (G>T on the coding strand, the complement: EYS is on the minus strand). VCF-style: chr6-65335134-C-A. GRCh37 (hg19) VCF-style: chr6-66045027-C-A.
Other names: c.1612G>T, p.Gly538Ter (NM_001142801.2, NM_001292009.2, NM_198283.2); short protein forms G538*.
Identifiers: ClinVar variation 5003415 (VCV005003415.1).

ClinVar aggregate classification (germline): Pathogenic (1 of 4 stars; one submission).

Conditions:
Retinitis pigmentosa 25 (RP25). Identifiers: Orphanet 791, MedGen C1864446, MONDO:0011272, OMIM 602772.

Submission:

Myriad Genetics, Inc.
Classification: Pathogenic for Retinitis pigmentosa 25. Last evaluated: 2025-09-08. Review status: criteria provided, single submitter. Criteria: Myriad Autosomal Dominant, Autosomal Recessive and X-Linked Classification Criteria (2023). Collection method: clinical testing. Allele origin: unknown.
Comment: NM_001142800.1(EYS):c.1612G>T(G538*) is a nonsense variant classified as pathogenic in the context of retinitis pigmentosa, EYS-related. G538* has not been observed in cases with relevant disease. Relevant functional assessments of this variant are not available in the literature. G538* has been observed in referenced population frequency databases. In summary, NM_001142800.1(EYS):c.1612G>T(G538*) is a nonsense variant in a gene where loss of function is a known mechanism of disease and is predicted to disrupt protein function. Please note: this variant was assessed in the context of healthy population screening.